The following is an entry in ClinVar:

ClinVar aggregate classification (germline): Uncertain significance (1 of 4 stars; one submission).

Conditions:
Epilepsy, familial adult myoclonic, 5 (EPEO5). Also called: CORTICAL MYOCLONIC TREMOR WITH EPILEPSY, FAMILIAL, 5. Identifiers: Orphanet 86814, MedGen C3809374, MONDO:0014167, OMIM 615400.

Submission:

Labcorp Genetics (formerly Invitae), Labcorp
Classification: Uncertain significance for Epilepsy, familial adult myoclonic, 5. Last evaluated: 2022-06-04. Review status: criteria provided, single submitter. Criteria: Invitae Variant Classification Sherloc (09022015). Collection method: clinical testing. Allele origin: germline.
Comment: This sequence change replaces threonine, which is neutral and polar, with lysine, which is basic and polar, at codon 3 of the CNTN2 protein (p.Thr3Lys). This variant is not present in population databases (gnomAD no frequency). This variant has not been reported in the literature in individuals affected with CNTN2-related conditions. Advanced modeling of protein sequence and biophysical properties (such as structural, functional, and spatial information, amino acid conservation, physicochemical variation, residue mobility, and thermodynamic stability) performed at Invitae indicates that this missense variant is not expected to disrupt CNTN2 protein function. In summary, the available evidence is currently insufficient to determine the role of this variant in disease. Therefore, it has been classified as a Variant of Uncertain Significance.

NM_005076.5(CNTN2):c.8C>A (p.Thr3Lys)

Gene: CNTN2 (contactin 2; plus strand). Cytogenetic location: 1q32.1.
Variant type: single nucleotide variant.
Coding change: c.8C>A on transcript NM_005076.5 (MANE Select); coding-DNA position 8, C replaced by A.
Protein change: p.Thr3Lys; replaces threonine 3 with lysine.
Molecular consequence: missense variant. On other transcripts: non-coding transcript variant (1).
Genome position (GRCh38, 1-based): chr1:205,053,193, C>A. VCF-style: chr1-205053193-C-A. GRCh37 (hg19) VCF-style: chr1-205022321-C-A.
Other names: c.8C>A, p.Thr3Lys (NM_001346083.2); short protein forms T3K.
Identifiers: ClinVar variation 2063243 (VCV002063243.4), dbSNP rs1415906808, ClinGen allele CA344402440.